The following is an entry in ClinVar:

ClinVar aggregate classification (germline): Conflicting classifications of pathogenicity. Review status: criteria provided, conflicting classifications (1 of 4 stars). 5 submissions from 5 submitters: Uncertain significance (2); Likely benign (2). 1 of the submissions does not count toward it. Last evaluated 2024-09-16.

Conditions:
PKD1-related disorder. Also called: PKD1-related condition.
Inborn genetic diseases. Identifiers: MedGen C0950123, MeSH D030342.

Allele frequency attached by ClinVar (database versions not stated): ExAC 0.00013; gnomAD exomes 0.00018; gnomAD 0.00023 and 0.00024; TOPMed 0.00024; ESP Exome Variant Server 0.00031.
gnomAD v4.1: 696 of 1,611,010 alleles (0.043%); highest among the groups gnomAD compares: Non-Finnish European, 0.054%; no homozygotes.

Submissions (5):

Blueprint Genetics
Classification: Likely benign. Last evaluated: 2024-09-16. Review status: criteria provided, single submitter. Criteria: ACMG Guidelines, 2015. Collection method: clinical testing. Allele origin: germline.

GeneDx
Classification: Uncertain significance. Last evaluated: 2023-10-11. Review status: criteria provided, single submitter. Criteria: GeneDx Variant Classification Process June 2021. Collection method: clinical testing. Allele origin: germline. Affected: yes.
Comment: In silico analysis supports that this missense variant does not alter protein structure/function; Has not been previously published as pathogenic or benign to our knowledge

Ambry Genetics
Classification: Likely benign for Inborn genetic diseases. Last evaluated: 2021-07-27. Review status: criteria provided, single submitter. Criteria: Ambry Variant Classification Scheme 2023. Collection method: clinical testing. Allele origin: germline.

Athena Diagnostics
Classification: Uncertain significance. Last evaluated: 2017-07-21. Review status: criteria provided, single submitter. Criteria: Athena Diagnostics Criteria. Collection method: clinical testing. Allele origin: germline.

PreventionGenetics, part of Exact Sciences
Classification: Uncertain significance for PKD1-related condition. Last evaluated: 2024-04-16. Review status: no assertion criteria provided. Collection method: clinical testing. Allele origin: germline. Not counted in ClinVar's aggregate classification.
Comment: The PKD1 c.4270A>G variant is predicted to result in the amino acid substitution p.Thr1424Ala. To our knowledge, this variant has not been reported in the literature. This variant is reported in 0.039% of alleles in individuals of European (Non-Finnish) descent in gnomAD. Although we suspect this variant may be benign due to the relatively high allele frequency the general population, at this time, the clinical significance of this variant is uncertain due to the absence of conclusive functional and genetic evidence.

NM_001009944.3(PKD1):c.4270A>G (p.Thr1424Ala)

Gene: PKD1 (polycystin 1, transient receptor potential channel interacting; minus strand). Cytogenetic location: 16p13.3.
Variant type: single nucleotide variant.
Coding change: c.4270A>G on transcript NM_001009944.3 (MANE Select); coding-DNA position 4270, A replaced by G.
Protein change: p.Thr1424Ala; replaces threonine 1424 with alanine.
Molecular consequence: missense variant.
Genome position (GRCh38, 1-based): chr16:2,110,897, T>C on the plus strand (A>G on the coding strand, the complement: PKD1 is on the minus strand). VCF-style: chr16-2110897-T-C. GRCh37 (hg19) VCF-style: chr16-2160898-T-C.
Other names: c.4270A>G, p.Thr1424Ala (NM_000296.4); c.4270A>G (NM_001009944.2); short protein forms T1424A.
Identifiers: ClinVar variation 447982 (VCV000447982.6), dbSNP rs2239671, ClinGen allele CA7832433.